The following is an entry in ClinVar:

NM_002906.4(RDX):c.1324G>A (p.Ala442Thr)

Gene: RDX (radixin; minus strand). Cytogenetic location: 11q22.3.
Variant type: single nucleotide variant.
Coding change: c.1324G>A on transcript NM_002906.4 (MANE Select); coding-DNA position 1324, G replaced by A.
Protein change: p.Ala442Thr; replaces alanine 442 with threonine.
Molecular consequence: missense variant. On other transcripts: intron variant (1).
Genome position (GRCh38, 1-based): chr11:110,236,119, C>T on the plus strand (G>A on the coding strand, the complement: RDX is on the minus strand). VCF-style: chr11-110236119-C-T. GRCh37 (hg19) VCF-style: chr11-110106844-C-T.
Other names: c.1324G>A, p.Ala442Thr (NM_001260492.2, NM_001260493.2); c.916G>A, p.Ala306Thr (NM_001260494.2); c.283G>A, p.Ala95Thr (NM_001260495.2); c.405-4115G>A (NM_001260496.2); c.1324G>A (NM_002906.3); short protein forms A306T, A442T, A95T.
Identifiers: ClinVar variation 3075946 (VCV003075946.2), dbSNP rs2539365516, ClinGen allele CA382573026.

ClinVar aggregate classification (germline): Uncertain significance. Review status: criteria provided, multiple submitters, no conflicts (2 of 4 stars). 2 submissions from 2 submitters: Uncertain significance (2). Last evaluated 2023-12-13.

Conditions:
Inborn genetic diseases. Identifiers: MedGen C0950123, MeSH D030342.

gnomAD v4.1: 1 of 1,611,590 alleles (0.000062%); highest among the groups gnomAD compares: East Asian, 0.0022%; no homozygotes.

Submissions (2):

Ambry Genetics
Classification: Uncertain significance for Inborn genetic diseases. Last evaluated: 2023-12-13. Review status: criteria provided, single submitter. Criteria: Ambry Variant Classification Scheme 2023. Collection method: clinical testing. Allele origin: germline.

Laboratory for Molecular Medicine, Mass General Brigham Personalized Medicine
Classification: Uncertain significance. Last evaluated: 2023-03-30. Review status: criteria provided, single submitter. Criteria: ACMG Guidelines, 2015. Collection method: clinical testing. Allele origin: germline.
Comment: The p.Ala442Thr variant in RDX has not been previously reported in individuals with hearing loss and was absent from large population studies. Computational prediction tools and conservation analyses suggest that this variant may not impact the protein, though this information is not predictive enough to rule out pathogenicity. In summary, the clinical significance of this variant is uncertain. ACMG/AMP Criteria applied: BP4.